The following is an entry in ClinVar:

NM_001370466.1(NOD2):c.1182G>C (p.Lys394Asn)

Gene: NOD2 (nucleotide binding oligomerization domain containing 2; plus strand). Cytogenetic location: 16q12.1.
Variant type: single nucleotide variant.
Coding change: c.1182G>C on transcript NM_001370466.1 (MANE Select); coding-DNA position 1182, G replaced by C.
Protein change: p.Lys394Asn; replaces lysine 394 with asparagine.
Molecular consequence: missense variant. On other transcripts: non-coding transcript variant (1).
Genome position (GRCh38, 1-based): chr16:50,711,174, G>C. VCF-style: chr16-50711174-G-C. GRCh37 (hg19) VCF-style: chr16-50745085-G-C.
Other names: c.1182G>C, p.Lys394Asn (NM_001293557.2); c.1263G>C, p.Lys421Asn (NM_022162.3); short protein forms K394N, K421N.
Identifiers: ClinVar variation 2646511 (VCV002646511.24), dbSNP rs749142500, ClinGen allele CA395868562.
Genomic context (GRCh38, chr16:50,711,174, plus strand): 5'-CTCTGTCCAGACCCTGCTCTTCAACCTTCTGCAGGGCAACCTGCTGAAGAATGCCCGCAA[G>C]GTGGTGACCAGCCGTCCGGCCGCTGTGTCGGCGTTCCTCAGGAAGTACATCCGCACCGAG-3'
Protein context (NP_001357395.1, residues 384-404): LQGNLLKNAR[Lys394Asn]VVTSRPAAVS

ClinVar aggregate classification (germline): Uncertain significance (1 of 4 stars; one submission).

gnomAD v4.1: 2 of 1,614,156 alleles (0.00012%); highest among the groups gnomAD compares: Non-Finnish European, 0.00017%; no homozygotes.

Submission:

CeGaT Center for Human Genetics Tuebingen
Classification: Uncertain significance. Last evaluated: 2022-07-01. Review status: criteria provided, single submitter. Criteria: CeGaT Center For Human Genetics Tuebingen Variant Classification Criteria Version 2. Collection method: clinical testing. Allele origin: germline. Affected: yes. Observed: 1 variant allele.
Comment: NOD2: PM2